The following is an entry in ClinVar:

ClinVar aggregate classification (germline): Uncertain significance (1 of 4 stars; one submission).

Conditions:
Congenital sideroblastic anemia-B-cell immunodeficiency-periodic fever-developmental delay syndrome. Also called: Sideroblastic anemia with B-cell immunodeficiency, periodic fevers, and developmental delay. Identifiers: Orphanet 369861, MedGen C4015172, MONDO:0014487, OMIM 616084.

Allele frequency attached by ClinVar (database versions not stated): gnomAD 0.00001; gnomAD exomes 0.00001 and 0.00002; TOPMed 0.00001.

Submission:

Labcorp Genetics (formerly Invitae), Labcorp
Classification: Uncertain significance for Congenital sideroblastic anemia-B-cell immunodeficiency-periodic fever-developmental delay syndrome. Last evaluated: 2024-02-24. Review status: criteria provided, single submitter. Criteria: Invitae Variant Classification Sherloc (09022015). Collection method: clinical testing. Allele origin: germline.
Comment: This sequence change replaces serine, which is neutral and polar, with leucine, which is neutral and non-polar, at codon 95 of the TRNT1 protein (p.Ser95Leu). This variant is present in population databases (no rsID available, gnomAD 0.004%). This variant has not been reported in the literature in individuals affected with TRNT1-related conditions. ClinVar contains an entry for this variant (Variation ID: 542063). Advanced modeling of protein sequence and biophysical properties (such as structural, functional, and spatial information, amino acid conservation, physicochemical variation, residue mobility, and thermodynamic stability) performed at Invitae indicates that this missense variant is not expected to disrupt TRNT1 protein function with a negative predictive value of 80%. In summary, the available evidence is currently insufficient to determine the role of this variant in disease. Therefore, it has been classified as a Variant of Uncertain Significance.

NM_182916.3(TRNT1):c.284C>T (p.Ser95Leu)

Gene: TRNT1 (tRNA nucleotidyl transferase 1; plus strand). Cytogenetic location: 3p26.2.
Variant type: single nucleotide variant.
Coding change: c.284C>T on transcript NM_182916.3 (MANE Select); coding-DNA position 284, C replaced by T.
Protein change: p.Ser95Leu; replaces serine 95 with leucine.
Molecular consequence: missense variant. On other transcripts: non-coding transcript variant (8).
Genome position (GRCh38, 1-based): chr3:3,137,395, C>T. VCF-style: chr3-3137395-C-T. GRCh37 (hg19) VCF-style: chr3-3179079-C-T.
Other names: c.284C>T, p.Ser95Leu (LRG_1314t1, NM_001302946.2, NM_001367321.1 and 2 more transcripts); short protein forms S95L.
Identifiers: ClinVar variation 542063 (VCV000542063.5), dbSNP rs1287896952, ClinGen allele CA351443219.
Genomic context (GRCh38, chr3:3,137,395, plus strand): 5'-CTCAGGATATAGATTTTGCCACCACTGCTACCCCTACTCAAATGAAGGAGATGTTTCAGT[C>T]GGCTGGGATTCGGATGATAAACAACAGAGGAGAAAAGCACGGAACAATTACTGCCAGGGT-3'
Protein context (NP_886552.3, residues 85-105): TPTQMKEMFQ[Ser95Leu]AGIRMINNRG